The following is an entry in ClinVar:

NM_181426.2(CCDC39):c.830C>T (p.Thr277Ile)

Gene: CCDC39 (coiled-coil domain 39 molecular ruler complex subunit; minus strand). Cytogenetic location: 3q26.33.
Variant type: single nucleotide variant.
Coding change: c.830C>T on transcript NM_181426.2 (MANE Select); coding-DNA position 830, C replaced by T.
Protein change: p.Thr277Ile; replaces threonine 277 with isoleucine.
Molecular consequence: missense variant.
Genome position (GRCh38, 1-based): chr3:180,654,862, G>A on the plus strand (C>T on the coding strand, the complement: CCDC39 is on the minus strand). VCF-style: chr3-180654862-G-A. GRCh37 (hg19) VCF-style: chr3-180372650-G-A.
Other names: short protein forms T277I.
Identifiers: ClinVar variation 1969717 (VCV001969717.5), dbSNP rs1711545165, ClinGen allele CA355300448.

ClinVar aggregate classification (germline): Uncertain significance (1 of 4 stars; one submission).

Conditions:
Primary ciliary dyskinesia. Also called: Ciliary dyskinesia. Identifiers: Orphanet 244, MedGen C0008780, MONDO:0016575, HP:0012265.

gnomAD v4.1: 3 of 1,602,862 alleles (0.00019%); highest among the groups gnomAD compares: African/African-American, 0.004%; no homozygotes.

Submission:

Labcorp Genetics (formerly Invitae), Labcorp
Classification: Uncertain significance for Primary ciliary dyskinesia. Last evaluated: 2024-10-26. Review status: criteria provided, single submitter. Criteria: Invitae Variant Classification Sherloc (09022015). Collection method: clinical testing. Allele origin: germline.
Comment: This sequence change replaces threonine, which is neutral and polar, with isoleucine, which is neutral and non-polar, at codon 277 of the CCDC39 protein (p.Thr277Ile). This variant is not present in population databases (gnomAD no frequency). This variant has not been reported in the literature in individuals affected with CCDC39-related conditions. ClinVar contains an entry for this variant (Variation ID: 1969717). An algorithm developed to predict the effect of missense changes on protein structure and function (PolyPhen-2) suggests that this variant is likely to be tolerated. In summary, the available evidence is currently insufficient to determine the role of this variant in disease. Therefore, it has been classified as a Variant of Uncertain Significance.